The following is an entry in ClinVar:

NM_000535.7(PMS2):c.2175-4del

Gene: PMS2 (PMS1 homolog 2, mismatch repair system component; minus strand). Cytogenetic location: 7p22.1.
Variant type: Deletion.
Coding change: c.2175-4del on transcript NM_000535.7 (MANE Select); 4 bases into the intron before coding-DNA position 2175, one base deleted (T; older notation c.2175-4delT).
Molecular consequence: intron variant.
Genome position (GRCh38, 1-based): chr7:5,978,700, A deleted on the plus strand (T on the coding strand, the reverse complement: PMS2 is on the minus strand); the first of 5 consecutive A bases (chr7:5,978,700-5,978,704); deleting any one gives the same sequence. VCF-style (leftmost placement, unchanged base first): chr7-5978699-GA-G. GRCh37 (hg19) VCF-style: chr7-6018330-GA-G.
Other names: NC_000007.13:g.6018335del; c.2175-4delT (NM_000535.7, NM_000535.5); c.2175-8del (NM_000535.7); c.1857-4del (NM_001322008.2, NM_001322007.2); c.1614-4del (NM_001322010.2); c.1770-4del (NM_001322004.2, NM_001322003.2, NM_001322009.2 and 1 more transcripts); c.1602-4del (NM_001322013.2); c.1242-4del (NM_001322012.2, NM_001322011.2); and 3 more.
Identifiers: ClinVar variation 846987 (VCV000846987.15), dbSNP rs1781995910, ClinGen allele CA916079930.

ClinVar aggregate classification (germline): Benign/Likely benign. Review status: criteria provided, multiple submitters, no conflicts (2 of 4 stars). 3 submissions from 3 submitters: Benign (1); Likely benign (2). Last evaluated 2025-04-28.

Conditions:
Hereditary nonpolyposis colorectal neoplasms. Identifiers: MedGen C0009405, MeSH D003123.
Hereditary cancer-predisposing syndrome. Also called: Tumor predisposition; Hereditary neoplastic syndrome; Neoplastic Syndromes, Hereditary; Hereditary Cancer Syndrome. Identifiers: Orphanet 140162, MedGen C0027672, MeSH D009386, MONDO:0015356.

Submissions (4):

Women's Health and Genetics/Laboratory Corporation of America, LabCorp
Classification: Likely benign. Last evaluated: 2025-04-28. Review status: criteria provided, single submitter. Criteria: LabCorp Variant Classification Summary - May 2015. Collection method: clinical testing. Allele origin: germline.
Comment: Variant summary: PMS2 c.2175-4delT alters a nucleotide located at a position not widely known to affect splicing. Consensus agreement among computation tools predict no significant impact on normal splicing. However, these predictions have yet to be confirmed by functional studies. The frequency data for this variant in gnomAD is considered unreliable, as metrics indicate poor data quality at this position. To our knowledge, no occurrence of c.2175-4delT in individuals affected with Hereditary Nonpolyposis Colorectal Cancer and no experimental evidence demonstrating its impact on protein function have been reported. ClinVar contains an entry for this variant (Variation ID: 846987). Based on the evidence outlined above, the variant was classified as likely benign.

Labcorp Genetics (formerly Invitae), Labcorp
Classification: Benign for Hereditary nonpolyposis colorectal neoplasms. Last evaluated: 2023-02-21. Review status: criteria provided, single submitter. Criteria: Invitae Variant Classification Sherloc (09022015). Collection method: clinical testing. Allele origin: germline.

Ambry Genetics
Classification: Likely benign for Hereditary cancer-predisposing syndrome. Last evaluated: 2019-04-05. Review status: criteria provided, single submitter. Criteria: Ambry Variant Classification Scheme 2023. Collection method: clinical testing. Allele origin: germline.

Dr. Peter K. Rogan Lab, Western University
No classification provided (evidence only). Condition: Hepatocellular carcinoma. Review status: no classification provided. Collection method: in vitro. Allele origin: not applicable. Functional consequence: skipped exon. Not counted in ClinVar's aggregate classification.